The following is an entry in ClinVar:

NM_001378454.1(ALMS1):c.4985C>G (p.Ser1662Cys)

Gene: ALMS1 (ALMS1 centrosome and basal body associated protein; plus strand). Cytogenetic location: 2p13.1.
Variant type: single nucleotide variant.
Coding change: c.4985C>G on transcript NM_001378454.1 (MANE Select); coding-DNA position 4985, C replaced by G.
Protein change: p.Ser1662Cys; replaces serine 1662 with cysteine.
Molecular consequence: missense variant.
Genome position (GRCh38, 1-based): chr2:73,451,512, C>G. VCF-style: chr2-73451512-C-G. GRCh37 (hg19) VCF-style: chr2-73678639-C-G.
Other names: c.4988C>G, p.Ser1663Cys (NM_015120.4); short protein forms S1662C, S1663C.
Identifiers: ClinVar variation 964870 (VCV000964870.9), dbSNP rs776002916, ClinGen allele CA1713806.

ClinVar aggregate classification (germline): Uncertain significance. Review status: criteria provided, multiple submitters, no conflicts (2 of 4 stars). 3 submissions from 3 submitters: Uncertain significance (2). 1 of the submissions does not count toward it. Last evaluated 2026-08-12.

Conditions:
Alstrom syndrome (ALMS). Identifiers: Orphanet 64, MedGen C0268425, MONDO:0008763, OMIM 203800.

Allele frequency attached by ClinVar (database versions not stated): gnomAD exomes 0.00001; ExAC 0.00002.
gnomAD v4.1: 13 of 1,614,014 alleles (0.00081%); highest among the groups gnomAD compares: South Asian, 0.014%; no homozygotes.

Submissions (3):

GeneDx
Classification: Uncertain significance. Last evaluated: 2026-08-12. Review status: criteria provided, single submitter. Criteria: GeneDx Variant Classification Process June 2021. Collection method: clinical testing. Allele origin: germline.
Comment: Not observed at significant frequency in large population cohorts (gnomAD); In silico analysis indicates that this missense variant does not alter protein structure/function; Has not been previously published as pathogenic or benign to our knowledge; This variant is associated with the following publications: (PMID: 40369053)

Labcorp Genetics (formerly Invitae), Labcorp
Classification: Uncertain significance for Alstrom syndrome. Last evaluated: 2022-10-24. Review status: criteria provided, single submitter. Criteria: Invitae Variant Classification Sherloc (09022015). Collection method: clinical testing. Allele origin: germline.
Comment: This sequence change replaces serine, which is neutral and polar, with cysteine, which is neutral and slightly polar, at codon 1663 of the ALMS1 protein (p.Ser1663Cys). This variant is present in population databases (rs776002916, gnomAD 0.01%). This variant has not been reported in the literature in individuals affected with ALMS1-related conditions. ClinVar contains an entry for this variant (Variation ID: 964870). Experimental studies and prediction algorithms are not available or were not evaluated, and the functional significance of this variant is currently unknown. In summary, the available evidence is currently insufficient to determine the role of this variant in disease. Therefore, it has been classified as a Variant of Uncertain Significance.

Natera, Inc.
Classification: Uncertain significance for Alstrom syndrome. Last evaluated: 2020-09-03. Review status: no assertion criteria provided. Collection method: clinical testing. Allele origin: germline. Not counted in ClinVar's aggregate classification.